The following is an entry in ClinVar:

NM_006648.4(WNK2):c.1759C>G (p.Pro587Ala)

Gene: WNK2 (WNK lysine deficient protein kinase 2; plus strand). Cytogenetic location: 9q22.31.
Variant type: single nucleotide variant.
Coding change: c.1759C>G on transcript NM_006648.4 (MANE Select); coding-DNA position 1759, C replaced by G.
Protein change: p.Pro587Ala; replaces proline 587 with alanine.
Molecular consequence: missense variant.
Genome position (GRCh38, 1-based): chr9:93,247,759, C>G. VCF-style: chr9-93247759-C-G. GRCh37 (hg19) VCF-style: chr9-96010041-C-G.
Other names: c.1759C>G, p.Pro587Ala (NM_001282394.3); short protein forms P587A.
Identifiers: ClinVar variation 4605190 (VCV004605190.1).

ClinVar aggregate classification (germline): Uncertain significance (1 of 4 stars; one submission).

Submission:

Ambry Genetics
Classification: Uncertain significance. Last evaluated: 2025-09-26. Review status: criteria provided, single submitter. Criteria: Ambry Variant Classification Scheme 2023. Collection method: clinical testing. Allele origin: germline.
Comment: The p.P587A variant (also known as c.1759C>G), located in coding exon 7 of the WNK2 gene, results from a C to G substitution at nucleotide position 1759. The proline at codon 587 is replaced by alanine, an amino acid with highly similar properties. This amino acid position is conserved. In addition, this alteration is predicted to be tolerated by in silico analysis. Based on the available evidence, the clinical significance of this variant remains unclear.